The following is an entry in ClinVar:

NM_000642.3(AGL):c.2692A>T (p.Arg898Ter)

Gene: AGL (amylo-alpha-1,6-glucosidase and 4-alpha-glucanotransferase; plus strand). Cytogenetic location: 1p21.2.
Variant type: single nucleotide variant.
Coding change: c.2692A>T on transcript NM_000642.3 (MANE Select); coding-DNA position 2692, A replaced by T.
Protein change: p.Arg898Ter; replaces arginine 898 with a stop codon.
Molecular consequence: nonsense.
Genome position (GRCh38, 1-based): chr1:99,887,988, A>T. VCF-style: chr1-99887988-A-T. GRCh37 (hg19) VCF-style: chr1-100353544-A-T.
Other names: c.2692A>T, p.Arg898Ter (NM_000028.3, NM_000643.3, NM_000644.3 and 2 more transcripts); c.2644A>T, p.Arg882Ter (NM_000646.3); c.2491A>T, p.Arg831Ter (NM_001425327.1); c.2488A>T, p.Arg830Ter (NM_001425328.1); c.2353A>T, p.Arg785Ter (NM_001425329.1); c.2314A>T, p.Arg772Ter (NM_001425332.1); short protein forms R882*, R898*, R772*, R785*, R830*, R831*.
Identifiers: ClinVar variation 1724498 (VCV001724498.2), dbSNP rs751094147, ClinGen allele CA341322756.

ClinVar aggregate classification (germline): Likely pathogenic (1 of 4 stars; one submission).

Conditions:
Glycogen storage disease type III (GSD3). Also called: FORBES DISEASE; Cori disease. Identifiers: Orphanet 366, MedGen C0017922, MONDO:0009291, OMIM 232400.

Submission:

Myriad Genetics, Inc.
Classification: Likely pathogenic for Glycogen storage disease type III. Last evaluated: 2022-02-17. Review status: criteria provided, single submitter. Criteria: Myriad Women's Health Autosomal Recessive and X-Linked Classification Criteria (2021). Collection method: clinical testing. Allele origin: unknown.
Comment: NM_000642.2(AGL):c.2692A>T(R898*) is expected to be pathogenic in the context of glycogen storage disease type III. This variant is predicted to lead to an abnormal or absent protein product due to the creation of a premature termination codon in AGL, a gene where loss-of-function variants are known to be pathogenic. Please note: this variant was assessed in the context of healthy population screening.